The following is an entry in ClinVar:

ClinVar aggregate classification (germline): Uncertain significance (1 of 4 stars; one submission).

Submission:

Labcorp Genetics (formerly Invitae), Labcorp
Classification: Uncertain significance. Last evaluated: 2023-03-04. Review status: criteria provided, single submitter. Criteria: Invitae Variant Classification Sherloc (09022015). Collection method: clinical testing. Allele origin: germline.
Comment: This variant has not been reported in the literature in individuals affected with REST-related conditions. This variant is not present in population databases (gnomAD no frequency). This sequence change replaces leucine, which is neutral and non-polar, with valine, which is neutral and non-polar, at codon 909 of the REST protein (p.Leu909Val). Algorithms developed to predict the effect of missense changes on protein structure and function output the following: SIFT: "Not Available"; PolyPhen-2: "Benign"; Align-GVGD: "Not Available". The valine amino acid residue is found in multiple mammalian species, which suggests that this missense change does not adversely affect protein function. In summary, the available evidence is currently insufficient to determine the role of this variant in disease. Therefore, it has been classified as a Variant of Uncertain Significance.

NM_005612.5(REST):c.2725C>G (p.Leu909Val)

Gene: REST (RE1 silencing transcription factor; plus strand). Cytogenetic location: 4q12.
Variant type: single nucleotide variant.
Coding change: c.2725C>G on transcript NM_005612.5 (MANE Select); coding-DNA position 2725, C replaced by G.
Protein change: p.Leu909Val; replaces leucine 909 with valine.
Molecular consequence: missense variant.
Genome position (GRCh38, 1-based): chr4:56,931,583, C>G. VCF-style: chr4-56931583-C-G. GRCh37 (hg19) VCF-style: chr4-57797749-C-G.
Other names: c.2725C>G, p.Leu909Val (NM_001193508.2, NM_001363453.3); short protein forms L909V.
Identifiers: ClinVar variation 2827716 (VCV002827716.3), dbSNP rs770528961, ClinGen allele CA357009406.